The following is an entry in ClinVar:

ClinVar aggregate classification (germline): Uncertain significance (1 of 4 stars; one submission).

Allele frequency attached by ClinVar (database versions not stated): gnomAD exomes 0.00001; TOPMed 0.00001; ExAC 0.00003; gnomAD 0.00001.
gnomAD v4.1: 22 of 1,605,968 alleles (0.0014%); highest among the groups gnomAD compares: Admixed American, 0.0034%; no homozygotes.

Submission:

Ambry Genetics
Classification: Uncertain significance. Last evaluated: 2025-04-24. Review status: criteria provided, single submitter. Criteria: Ambry Variant Classification Scheme 2023. Collection method: clinical testing. Allele origin: germline.
Comment: The p.V868I variant (also known as c.2602G>A), located in coding exon 15 of the PKP4 gene, results from a G to A substitution at nucleotide position 2602. The valine at codon 868 is replaced by isoleucine, an amino acid with highly similar properties. This amino acid position is conserved. In addition, this alteration is predicted to be deleterious by in silico analysis. Since supporting evidence is limited at this time, the clinical significance of this alteration remains unclear.

NM_003628.6(PKP4):c.2602G>A (p.Val868Ile)

Genes: PKP4 (plakophilin 4; plus strand), PKP4-AS1 (PKP4 antisense RNA 1; minus strand). Cytogenetic location: 2q24.1.
Variant type: single nucleotide variant.
Coding change: c.2602G>A on transcript NM_003628.6 (MANE Select); coding-DNA position 2602, G replaced by A.
Protein change: p.Val868Ile; replaces valine 868 with isoleucine.
Molecular consequence: missense variant.
Genome position (GRCh38, 1-based): chr2:158,666,437, G>A. VCF-style: chr2-158666437-G-A. GRCh37 (hg19) VCF-style: chr2-159522949-G-A.
Other names: c.2602G>A, p.Val868Ile (NM_001005476.4, NM_001304971.2, NM_001377218.1 and 1 more transcripts); c.2599G>A, p.Val867Ile (NM_001304969.3, NM_001377219.1, NM_001377220.1 and 2 more transcripts); c.1573G>A, p.Val525Ile (NM_001304970.3); c.2596G>A, p.Val866Ile (NM_001377222.1, NM_001377223.1); c.2593G>A, p.Val865Ile (NM_001377224.1); short protein forms V525I, V867I, V868I, V865I, V866I.
Identifiers: ClinVar variation 1793695 (VCV001793695.3), dbSNP rs769476623, ClinGen allele CA1921048.